The following is an entry in ClinVar:

ClinVar aggregate classification (germline): Uncertain significance (1 of 4 stars; one submission).

Conditions:
Diamond-Blackfan anemia. Also called: Blackfan Diamond syndrome; Aregenerative anemia chronic congenital; Red cell aplasia, pure hereditary; Congenital hypoplastic anemia; Aase syndrome. Identifiers: Orphanet 124, MedGen C1260899, MeSH D029503, MONDO:0015253, HP:0004810.

Submission:

Labcorp Genetics (formerly Invitae), Labcorp
Classification: Uncertain significance for Diamond-Blackfan anemia. Last evaluated: 2023-09-10. Review status: criteria provided, single submitter. Criteria: Invitae Variant Classification Sherloc (09022015). Collection method: clinical testing. Allele origin: germline.
Comment: This sequence change replaces aspartic acid, which is acidic and polar, with valine, which is neutral and non-polar, at codon 53 of the RPS24 protein (p.Asp53Val). This variant is not present in population databases (gnomAD no frequency). This variant has not been reported in the literature in individuals affected with RPS24-related conditions. An algorithm developed to predict the effect of missense changes on protein structure and function (PolyPhen-2) suggests that this variant is likely to be disruptive. In summary, the available evidence is currently insufficient to determine the role of this variant in disease. Therefore, it has been classified as a Variant of Uncertain Significance.

NM_033022.4(RPS24):c.158A>T (p.Asp53Val)

Gene: RPS24 (ribosomal protein S24; plus strand). Cytogenetic location: 10q22.3.
Variant type: single nucleotide variant.
Coding change: c.158A>T on transcript NM_033022.4 (MANE Select); coding-DNA position 158, A replaced by T.
Protein change: p.Asp53Val; replaces aspartic acid 53 with valine.
Molecular consequence: missense variant.
Genome position (GRCh38, 1-based): chr10:78,035,599, A>T. VCF-style: chr10-78035599-A-T. GRCh37 (hg19) VCF-style: chr10-79795357-A-T.
Other names: c.158A>T, p.Asp53Val (NM_001026.5, NM_001142282.2, NM_001142283.2 and 2 more transcripts); short protein forms D53V.
Identifiers: ClinVar variation 2759504 (VCV002759504.3), dbSNP rs781464836, ClinGen allele CA377328596.